The following is an entry in ClinVar:

NM_013275.6(ANKRD11):c.6061_6069del (p.Ser2021_Ala2023del)

Gene: ANKRD11 (ankyrin repeat domain 11; minus strand). Cytogenetic location: 16q24.3.
Variant type: Deletion.
Coding change: c.6061_6069del on transcript NM_013275.6 (MANE Select); coding-DNA positions 6061 to 6069, 9 bases deleted (TCTCCTGCC; older notation c.6061_6069delTCTCCTGCC).
Protein change: p.Ser2021_Ala2023del.
Molecular consequence: inframe deletion.
Genome position (GRCh38, 1-based): chr16:89,280,473-89,280,481, GGCAGGAGA deleted on the plus strand (TCTCCTGCC on the coding strand, the reverse complement: ANKRD11 is on the minus strand); deleting any 9 consecutive bases within chr16:89,280,473-89,280,484 gives the same sequence; the c. name uses the placement nearest the transcript's 3' end. VCF-style (leftmost placement, unchanged base first): chr16-89280472-GGGCAGGAGA-G. GRCh37 (hg19) VCF-style: chr16-89346880-GGGCAGGAGA-G.
Other names: c.6061_6069del, p.Ser2021_Ala2023del (NM_001256182.2, NM_001256183.2).
Identifiers: ClinVar variation 2732843 (VCV002732843.3), dbSNP rs746078253, ClinGen allele CA8241610.
Genomic context (GRCh38, chr16:89,280,472, plus strand): 5'-CGGCGTCCACTCCGTCCTTGACGTCCTCCAGCCCCGGCTCAGCGACGGGCAGAGCGTACG[GGGCAGGAGA>G]GGCGGGAGGGGCGGGGTACGGCGCCTCCGAGGCGCTGAAGGGCCCTGGGGCGGCAGAGTG-3'

ClinVar aggregate classification (germline): Uncertain significance (1 of 4 stars; one submission).

Conditions:
KBG syndrome (KBGS). Also called: ANKRD11-Related KBG Syndrome. Identifiers: Orphanet 2332, MedGen C0220687, MONDO:0007846, OMIM 148050.

Submission:

Labcorp Genetics (formerly Invitae), Labcorp
Classification: Uncertain significance for KBG syndrome. Last evaluated: 2025-09-05. Review status: criteria provided, single submitter. Criteria: Invitae Variant Classification Sherloc (09022015). Collection method: clinical testing. Allele origin: germline.
Comment: This variant, c.6061_6069del, results in the deletion of 3 amino acid(s) of the ANKRD11 protein (p.Ser2021_Ala2023del), but otherwise preserves the integrity of the reading frame. This variant is present in population databases (rs746078253, gnomAD 0.007%). This variant has not been reported in the literature in individuals affected with ANKRD11-related conditions. ClinVar contains an entry for this variant (Variation ID: 2732843). Experimental studies and prediction algorithms are not available or were not evaluated, and the functional significance of this variant is currently unknown. In summary, the available evidence is currently insufficient to determine the role of this variant in disease. Therefore, it has been classified as a Variant of Uncertain Significance.